The following is an entry in ClinVar:

ClinVar aggregate classification (germline): Likely benign (0 of 4 stars; one submission).

Conditions:
CSMD1-related disorder. Also called: CSMD1-related condition.

Allele frequency attached by ClinVar (database versions not stated): ESP Exome Variant Server 0.00008; gnomAD 0.00008; 1000 Genomes Project 0.00020; 1000 Genomes Project 30x 0.00031.
gnomAD v4.1: 32 of 1,610,258 alleles (0.002%); highest among the groups gnomAD compares: African/African-American, 0.024%; no homozygotes.

Submission:

PreventionGenetics, part of Exact Sciences
Classification: Likely benign for CSMD1-related condition. Last evaluated: 2019-02-26. Review status: no assertion criteria provided. Collection method: clinical testing. Allele origin: germline.
Comment: This variant is classified as likely benign based on ACMG/AMP sequence variant interpretation guidelines (Richards et al. 2015 PMID: 25741868, with internal and published modifications).

NM_033225.6(CSMD1):c.5808G>A (p.Val1936=)

Gene: CSMD1 (CUB and Sushi multiple domains 1; minus strand). Cytogenetic location: 8p23.2.
Variant type: single nucleotide variant.
Coding change: c.5808G>A on transcript NM_033225.6 (MANE Select); coding-DNA position 5808, G replaced by A.
Protein change: p.Val1936=; no amino-acid change (valine 1936 retained).
Molecular consequence: synonymous variant.
Genome position (GRCh38, 1-based): chr8:3,162,195, C>T on the plus strand (G>A on the coding strand, the complement: CSMD1 is on the minus strand). VCF-style: chr8-3162195-C-T. GRCh37 (hg19) VCF-style: chr8-3019717-C-T.
Identifiers: ClinVar variation 3033740 (VCV003033740.2), dbSNP rs191637398, ClinGen allele CA4606758.